The following is an entry in ClinVar:

NM_001377.3(DYNC2H1):c.5891_5904del (p.Glu1964fs)

Gene: DYNC2H1 (dynein cytoplasmic 2 heavy chain 1; plus strand). Cytogenetic location: 11q22.3.
Variant type: Deletion.
Coding change: c.5891_5904del on transcript NM_001377.3 (MANE Select); coding-DNA positions 5891 to 5904, 14 bases deleted (AATTGTATGAACAG).
Protein change: p.Glu1964fs; shifts the reading frame from glutamic acid 1964.
Molecular consequence: frameshift variant.
Genome position (GRCh38, 1-based): chr11:103,177,572-103,177,585, AATTGTATGAACAG deleted; deleting any 14 consecutive bases within chr11:103,177,570-103,177,585 gives the same sequence; the c. name uses the placement nearest the transcript's 3' end. VCF-style (leftmost placement, unchanged base first): chr11-103177569-TAGAATTGTATGAAC-T. GRCh37 (hg19) VCF-style: chr11-103048298-TAGAATTGTATGAAC-T.
Other names: c.5891_5904del, p.Glu1964fs (NM_001080463.2); short protein forms E1964fs.
Identifiers: ClinVar variation 5014352 (VCV005014352.1).

ClinVar aggregate classification (germline): Pathogenic (1 of 4 stars; one submission).

Conditions:
Asphyxiating thoracic dystrophy 3. Also called: Saldino-Noonan Syndrome; SHORT-RIB THORACIC DYSPLASIA 3 WITH OR WITHOUT POLYDACTYLY; POLYDACTYLY WITH NEONATAL CHONDRODYSTROPHY, TYPE I; SHORT-RIB THORACIC DYSPLASIA 3/6 WITH POLYDACTYLY, DIGENIC; Short rib polydactyly syndrome 2B. Identifiers: Orphanet 474, Orphanet 93269, Orphanet 93270, Orphanet 93271, MedGen C0036069, MONDO:0013127, OMIM 613091.

Submission:

Myriad Genetics, Inc.
Classification: Pathogenic for Asphyxiating thoracic dystrophy 3. Last evaluated: 2025-04-26. Review status: criteria provided, single submitter. Criteria: Myriad Autosomal Dominant, Autosomal Recessive and X-Linked Classification Criteria (2023). Collection method: clinical testing. Allele origin: unknown.
Comment: NM_001377.2(DYNC2H1):c.5891_5904del14(E1964Vfs*30) is expected to be pathogenic in the context of DYNC2H1-related disorders. This variant is predicted to lead to an abnormal or absent protein product due to the creation of a premature termination codon in DYNC2H1, a gene where loss-of-function variants are known to be pathogenic. Please note: this variant was assessed in the context of healthy population screening.